The following is an entry in ClinVar:

NM_002693.3(POLG):c.1246G>C (p.Glu416Gln)

Gene: POLG (DNA polymerase gamma, catalytic subunit; minus strand). Cytogenetic location: 15q26.1.
Variant type: single nucleotide variant.
Coding change: c.1246G>C on transcript NM_002693.3 (MANE Select); coding-DNA position 1246, G replaced by C.
Protein change: p.Glu416Gln; replaces glutamic acid 416 with glutamine.
Molecular consequence: missense variant.
Genome position (GRCh38, 1-based): chr15:89,328,460, C>G on the plus strand (G>C on the coding strand, the complement: POLG is on the minus strand). VCF-style: chr15-89328460-C-G. GRCh37 (hg19) VCF-style: chr15-89871691-C-G.
Other names: c.1246G>C, p.Glu416Gln (NM_001126131.2); short protein forms E416Q.
Identifiers: ClinVar variation 1306669 (VCV001306669.3), dbSNP rs756719930, ClinGen allele CA7724912.

ClinVar aggregate classification (germline): Uncertain significance. Review status: criteria provided, multiple submitters, no conflicts (2 of 4 stars). 2 submissions from 2 submitters: Uncertain significance (2). Last evaluated 2025-10-01.

Conditions:
Progressive sclerosing poliodystrophy (MTDPS4A). Also called: Mitochondrial DNA Depletion Syndrome 4A; Alpers-Huttenlocher Syndrome (AHS); Alpers Syndrome; ALPERS DIFFUSE DEGENERATION OF CEREBRAL GRAY MATTER WITH HEPATIC CIRRHOSIS; Alpers-Huttenlocher Syndrome; Mitochondrial DNA depletion syndrome 4A (Alpers type). Identifiers: Orphanet 726, MedGen C0205710, MONDO:0008758, OMIM 203700.

Allele frequency attached by ClinVar (database versions not stated): gnomAD exomes below 0.00001; ExAC 0.00002.
gnomAD v4.1: 5 of 1,613,354 alleles (0.00031%); highest among the groups gnomAD compares: Admixed American, 0.0017%; no homozygotes.

Submissions (2):

Labcorp Genetics (formerly Invitae), Labcorp
Classification: Uncertain significance for Progressive sclerosing poliodystrophy. Last evaluated: 2025-10-01. Review status: criteria provided, single submitter. Criteria: Invitae Variant Classification Sherloc (09022015). Collection method: clinical testing. Allele origin: germline.
Comment: This sequence change replaces glutamic acid, which is acidic and polar, with glutamine, which is neutral and polar, at codon 416 of the POLG protein (p.Glu416Gln). The frequency data for this variant in the population databases is considered unreliable, as metrics indicate poor data quality at this position in the gnomAD database. This variant has not been reported in the literature in individuals affected with POLG-related conditions. ClinVar contains an entry for this variant (Variation ID: 1306669). Invitae Evidence Modeling of protein sequence and biophysical properties (such as structural, functional, and spatial information, amino acid conservation, physicochemical variation, residue mobility, and thermodynamic stability) has been performed for this missense variant. However, the output from this modeling did not meet the statistical confidence thresholds required to predict the impact of this variant on POLG protein function. In summary, the available evidence is currently insufficient to determine the role of this variant in disease. Therefore, it has been classified as a Variant of Uncertain Significance.

GeneDx
Classification: Uncertain significance. Last evaluated: 2019-07-13. Review status: criteria provided, single submitter. Criteria: GeneDx Variant Classification Process June 2021. Collection method: clinical testing. Allele origin: germline. Affected: yes.
Comment: Not observed at a significant frequency in large population cohorts (Lek et al., 2016); In silico analysis, which includes protein predictors and evolutionary conservation, supports that this variant does not alter protein structure/function; Has not been previously published as pathogenic or benign to our knowledge